The following is an entry in ClinVar:

NM_003982.4(SLC7A7):c.1064G>A (p.Arg355Gln)

Gene: SLC7A7 (solute carrier family 7 member 7; minus strand). Cytogenetic location: 14q11.2.
Variant type: single nucleotide variant.
Coding change: c.1064G>A on transcript NM_003982.4 (MANE Select); coding-DNA position 1064, G replaced by A.
Protein change: p.Arg355Gln; replaces arginine 355 with glutamine.
Molecular consequence: missense variant.
Genome position (GRCh38, 1-based): chr14:22,775,475, C>T on the plus strand (G>A on the coding strand, the complement: SLC7A7 is on the minus strand). VCF-style: chr14-22775475-C-T. GRCh37 (hg19) VCF-style: chr14-23244684-C-T.
Other names: c.1064G>A, p.Arg355Gln (NM_001126105.3, NM_001126106.4); short protein forms R355Q.
Identifiers: ClinVar variation 312818 (VCV000312818.21), dbSNP rs11568423, ClinGen allele CA7104499.
Genomic context (GRCh38, chr14:22,775,475, plus strand): 5'-CTTTCAGTCTCATCCTTGAGTTCACTTACATTGAAGAGCAGAGAAGGCACTGGTGTGAAC[C>T]GCTCAACATGGATCATGCAGATGGCATCAGGGAGATGGCCTTCTCTTGAGCCCACAAAGA-3'
Protein context (NP_003973.3, residues 345-365): PDAICMIHVE[Arg355Gln]FTPVPSLLFN

ClinVar aggregate classification (germline): Conflicting classifications of pathogenicity. Review status: criteria provided, conflicting classifications (1 of 4 stars). 5 submissions from 5 submitters: Uncertain significance (1); Likely benign (2). 2 of the submissions do not count toward it. Last evaluated 2026-01-26.

Conditions:
Autoinflammatory syndrome. Identifiers: Orphanet 93665, MedGen C3890737, MONDO:0019751.
SLC7A7-related disorder. Also called: SLC7A7-related condition.
Lysinuric protein intolerance (LPI). Identifiers: Orphanet 470, MedGen C0268647, MONDO:0009109, OMIM 222700.

Allele frequency attached by ClinVar (database versions not stated): gnomAD exomes 0.00008 and 0.00036; TOPMed 0.00018; gnomAD 0.00019 and 0.00021; 1000 Genomes Project 30x 0.00031; 1000 Genomes Project 0.00040; ExAC 0.00035.

Submissions (5):

Labcorp Genetics (formerly Invitae), Labcorp
Classification: Likely benign for Lysinuric protein intolerance. Last evaluated: 2026-01-26. Review status: criteria provided, single submitter. Criteria: Invitae Variant Classification Sherloc (09022015). Collection method: clinical testing. Allele origin: germline.

Genome Diagnostics Laboratory, The Hospital for Sick Children
Classification: Uncertain significance for Autoinflammatory syndrome. Last evaluated: 2021-12-20. Review status: criteria provided, single submitter. Criteria: ACMG Guidelines, 2015. Collection method: clinical testing. Allele origin: germline. Affected: yes.

Illumina Laboratory Services, Illumina
Classification: Likely benign for Lysinuric protein intolerance. Last evaluated: 2018-01-12. Review status: criteria provided, single submitter. Criteria: ICSL Variant Classification Criteria 13 December 2019. Collection method: clinical testing. Allele origin: germline.
Comment: This variant was observed in the ICSL laboratory as part of a predisposition screen in an ostensibly healthy population. It had not been previously curated by ICSL or reported in the Human Gene Mutation Database (HGMD: prior to June 1st, 2018), and was therefore a candidate for classification through an automated scoring system. Utilizing variant allele frequency, disease prevalence and penetrance estimates, and inheritance mode, an automated score was calculated to assess if this variant is too frequent to cause the disease. Based on the score and internal cut-off values, a variant classified as likely benign is not then subjected to further curation. The score for this variant resulted in a classification of likely benign for this disease.

PreventionGenetics, part of Exact Sciences
Classification: Likely benign for SLC7A7-related condition. Last evaluated: 2023-12-27. Review status: no assertion criteria provided. Collection method: clinical testing. Allele origin: germline. Not counted in ClinVar's aggregate classification.
Comment: This variant is classified as likely benign based on ACMG/AMP sequence variant interpretation guidelines (Richards et al. 2015 PMID: 25741868, with internal and published modifications).

Natera, Inc.
Classification: Likely benign for Lysinuric protein intolerance. Last evaluated: 2020-04-17. Review status: no assertion criteria provided. Collection method: clinical testing. Allele origin: germline. Not counted in ClinVar's aggregate classification.